The following is an entry in ClinVar:

ClinVar aggregate classification (germline): Uncertain significance. Review status: criteria provided, multiple submitters, no conflicts (2 of 4 stars). 9 submissions from 9 submitters: Uncertain significance (7). 2 of the submissions do not count toward it. Last evaluated 2024-11-26.

Conditions:
Charcot-Marie-Tooth disease type 4C (CMT4C). Also called: CHARCOT-MARIE-TOOTH DISEASE, DEMYELINATING, AUTOSOMAL RECESSIVE, TYPE 4C; CHARCOT-MARIE-TOOTH DISEASE, DEMYELINATING, TYPE 4C; SH3TC2-Related Hereditary Motor and Sensory Neuropathy; Charcot-Marie-Tooth Neuropathy Type 4C (CMT4C); CMT 4C. Identifiers: Orphanet 99949, MedGen C1866636, MONDO:0011113, OMIM 601596.
Tip-toe gait. Also called: Toe walking. Identifiers: MedGen C0427144, HP:0030051.
SH3TC2-related disorder. Also called: SH3TC2-related disorders; SH3TC2-related condition. Identifiers: MedGen CN239303.
Charcot-Marie-Tooth disease. Also called: Charcot-Marie-Tooth Neuropathy; Charcot-Marie-Tooth Hereditary Neuropathy. Identifiers: Orphanet 166, MedGen C0007959, MONDO:0015626.
Susceptibility to mononeuropathy of the median nerve, mild. Also called: CARPAL TUNNEL SYNDROME, SUSCEPTIBILITY TO. Identifiers: MedGen C3150596, MONDO:0013237, OMIM 613353.
Charcot-Marie-Tooth disease type 4. Also called: Charcot-Marie-Tooth, Type 4; Charcot-Marie-Tooth disease, type IV. Identifiers: Orphanet 64749, MedGen C4082197, MONDO:0018995.

Allele frequency attached by ClinVar (database versions not stated): gnomAD exomes 0.00003 and 0.00008; ExAC 0.00012; 1000 Genomes Project 30x 0.00016; 1000 Genomes Project 0.00020; TOPMed 0.00020; ESP Exome Variant Server 0.00023; gnomAD 0.00024 and 0.00026.
gnomAD v4.1: 74 of 1,611,044 alleles (0.0046%); highest among the groups gnomAD compares: African/African-American, 0.082%; no homozygotes.

Submissions (9):

GeneDx
Classification: Uncertain significance. Last evaluated: 2024-11-26. Review status: criteria provided, single submitter. Criteria: GeneDx Variant Classification Process June 2021. Collection method: clinical testing. Allele origin: germline. Affected: yes.
Comment: In silico analysis is inconclusive as to whether the variant alters gene splicing. In the absence of RNA/functional studies, the actual effect of this sequence change is unknown.; This variant is associated with the following publications: (PMID: 37091313, 32376792)

Labcorp Genetics (formerly Invitae), Labcorp
Classification: Uncertain significance for Charcot-Marie-Tooth disease type 4. Last evaluated: 2024-10-22. Review status: criteria provided, single submitter. Criteria: Invitae Variant Classification Sherloc (09022015). Collection method: clinical testing. Allele origin: germline.
Comment: This sequence change falls in intron 4 of the SH3TC2 gene. It does not directly change the encoded amino acid sequence of the SH3TC2 protein. It affects a nucleotide within the consensus splice site. This variant is present in population databases (rs184593694, gnomAD 0.09%). This variant has been observed in individual(s) with SH3TC2-related conditions (PMID: 32376792). ClinVar contains an entry for this variant (Variation ID: 568124). Variants that disrupt the consensus splice site are a relatively common cause of aberrant splicing (PMID: 17576681, 9536098). Algorithms developed to predict the effect of sequence changes on RNA splicing suggest that this variant may disrupt the consensus splice site. In summary, the available evidence is currently insufficient to determine the role of this variant in disease. Therefore, it has been classified as a Variant of Uncertain Significance.

Genomic Medicine Center of Excellence, King Faisal Specialist Hospital and Research Centre
Classification: Uncertain significance for Charcot-Marie-Tooth disease type 4C. Last evaluated: 2024-03-26. Review status: criteria provided, single submitter. Criteria: ACMG Guidelines, 2015. Collection method: clinical testing. Allele origin: germline.

Clinical Genetics Laboratory, Skane University Hospital Lund
Classification: Uncertain significance. Last evaluated: 2023-04-04. Review status: criteria provided, single submitter. Criteria: ACMG Guidelines, 2015. Collection method: clinical testing. Allele origin: germline. Affected: yes.

Department of Pathology and Laboratory Medicine, Sinai Health System
Classification: Uncertain significance for Charcot-Marie-Tooth disease type 4C; Susceptibility to mononeuropathy of the median nerve, mild. Last evaluated: 2023-03-14. Review status: criteria provided, single submitter. Criteria: ACMG Guidelines, 2015. Collection method: research. Allele origin: germline.

Fulgent Genetics
Classification: Uncertain significance for Charcot-Marie-Tooth disease type 4C; Susceptibility to mononeuropathy of the median nerve, mild. Last evaluated: 2021-07-11. Review status: criteria provided, single submitter. Criteria: ACMG Guidelines, 2015. Collection method: clinical testing. Allele origin: unknown.

Molecular Genetics Laboratory, London Health Sciences Centre
Classification: Uncertain significance for Charcot-Marie-Tooth disease. Review status: criteria provided, single submitter. Criteria: ACMG Guidelines, 2015. Collection method: clinical testing. Allele origin: germline. Affected: yes.

PreventionGenetics, part of Exact Sciences
Classification: Uncertain significance for SH3TC2-related condition. Last evaluated: 2024-06-23. Review status: no assertion criteria provided. Collection method: clinical testing. Allele origin: germline. Not counted in ClinVar's aggregate classification.
Comment: The SH3TC2 c.385+3A>G variant is predicted to interfere with splicing. This variant was reported in the homozygous state as a variant of uncertain significance in an individual with Charcot-Marie-Tooth disease (Supp. Table 2 Volodarsky et al 2021. PubMed ID: 32376792). This variant is reported in 0.094% of alleles in individuals of African descent in gnomAD and is likely too common to be a primary cause of autosomal dominant SH3TC2-related disorders. At this time, the clinical significance of this variant is uncertain due to the absence of conclusive functional and genetic evidence.

Practice for Gait Abnormalities, David Pomarino, Competency Network Toe Walking C/o Practice Pomarino
Classification: Uncertain significance for Tip-toe gait. Last evaluated: 2023-05-05. Review status: no assertion criteria provided. Collection method: clinical testing. Allele origin: germline. Affected: yes. Not counted in ClinVar's aggregate classification.
Comment: Hereditary motor sensory neuropathy (HMSN), also known as Charcot-Marie-Tooth Disease (CMT), is the most commonly inherited peripheral polyneuropathy. It constitutes a group of inherited, progressive, motor and sensory peripheral nerve disorders with properties of demyelination, axonal degeneration, or both. It is classified by clinical characteristics, modes of inheritance, electrophysiologic features, metabolic defects, and specific gene markers. Our patients all walk on tiptoe, so they show similar symptoms. When we genetically test them with our toe walking panel, we find that around 90 per cent of them have a genetic variant that explains their toe walking. These can be assigned, for example, to the area of myopathies (such as variants of the COL6A3 gene), the area of hereditary neuropathies (such as variants of the KMT2C gene) or the area of metabolic diseases (such as variants of the PYGM gene). In a smaller group of patients with almost identical symptoms, no abnormality is found in the genes of our panel, but spastic paraplegia can be detected. In another small group of our toe walkers, no abnormalities can be detected in the genes analysed in our toe walking panel, nor do they suffer from spastic paraplegia, as is also the case with healthy children. In contrast to these, however, they show a tiptoe gait. These patients suffer from infantile cerebral palsy, in which toe walking can also be observed.

Literature cited by the submitters: PubMed 32376792 (cited by Labcorp Genetics (formerly Invitae), Labcorp); PubMed 17576681 (cited by Labcorp Genetics (formerly Invitae), Labcorp); PubMed 9536098 (cited by Labcorp Genetics (formerly Invitae), Labcorp); DOI 10.3238/oup.2019.0380-0382 (cited by Practice for Gait Abnormalities, David Pomarino, Competency Network Toe Walking C/o Practice Pomarino); PubMed 37091313 (cited by Practice for Gait Abnormalities, David Pomarino, Competency Network Toe Walking C/o Practice Pomarino).

NM_024577.4(SH3TC2):c.385+3A>G

Gene: SH3TC2 (SH3 domain and tetratricopeptide repeats 2; minus strand). Cytogenetic location: 5q32.
Variant type: single nucleotide variant.
Coding change: c.385+3A>G on transcript NM_024577.4 (MANE Select); 3 bases into the intron after coding-DNA position 385, A replaced by G.
Molecular consequence: intron variant.
Genome position (GRCh38, 1-based): chr5:149,044,530, T>C on the plus strand (A>G on the coding strand, the complement: SH3TC2 is on the minus strand). VCF-style: chr5-149044530-T-C. GRCh37 (hg19) VCF-style: chr5-148424093-T-C.
Identifiers: ClinVar variation 568124 (VCV000568124.15), dbSNP rs184593694, ClinGen allele CA3499535.